The following is an entry in ClinVar:

ClinVar aggregate classification (germline): Uncertain significance (1 of 4 stars; one submission).

Conditions:
COG7 congenital disorder of glycosylation (CDG2E). Also called: CONGENITAL DISORDER OF GLYCOSYLATION, TYPE IIe; CDG IIe. Identifiers: Orphanet 79333, MedGen C2931010, MONDO:0012118, OMIM 608779.

Allele frequency attached by ClinVar (database versions not stated): TOPMed below 0.00001.

Submission:

Labcorp Genetics (formerly Invitae), Labcorp
Classification: Uncertain significance for COG7 congenital disorder of glycosylation. Last evaluated: 2025-07-31. Review status: criteria provided, single submitter. Criteria: Invitae Variant Classification Sherloc (09022015). Collection method: clinical testing. Allele origin: germline.
Comment: This sequence change replaces valine, which is neutral and non-polar, with leucine, which is neutral and non-polar, at codon 13 of the COG7 protein (p.Val13Leu). This variant is not present in population databases (gnomAD no frequency). This variant has not been reported in the literature in individuals affected with COG7-related conditions. ClinVar contains an entry for this variant (Variation ID: 2428102). Invitae Evidence Modeling of protein sequence and biophysical properties (such as structural, functional, and spatial information, amino acid conservation, physicochemical variation, residue mobility, and thermodynamic stability) indicates that this missense variant is not expected to disrupt COG7 protein function with a negative predictive value of 80%. In summary, the available evidence is currently insufficient to determine the role of this variant in disease. Therefore, it has been classified as a Variant of Uncertain Significance.

NM_153603.4(COG7):c.37G>T (p.Val13Leu)

Genes: COG7 (component of oligomeric golgi complex 7; minus strand), LOC130058658 (ATAC-STARR-seq lymphoblastoid active region 10580; plus strand). Cytogenetic location: 16p12.2.
Variant type: single nucleotide variant.
Coding change: c.37G>T on transcript NM_153603.4 (MANE Select); coding-DNA position 37, G replaced by T.
Protein change: p.Val13Leu; replaces valine 13 with leucine.
Molecular consequence: missense variant.
Genome position (GRCh38, 1-based): chr16:23,452,958, C>A on the plus strand (G>T on the coding strand, the complement: COG7 is on the minus strand). VCF-style: chr16-23452958-C-A. GRCh37 (hg19) VCF-style: chr16-23464279-C-A.
Other names: short protein forms V13L.
Identifiers: ClinVar variation 2428102 (VCV002428102.7), dbSNP rs1964291027, ClinGen allele CA395118520.